The following is an entry in ClinVar:

NM_004104.5(FASN):c.5608C>G (p.Pro1870Ala)

Gene: FASN (fatty acid synthase; minus strand). Cytogenetic location: 17q25.3.
Variant type: single nucleotide variant.
Coding change: c.5608C>G on transcript NM_004104.5 (MANE Select); coding-DNA position 5608, C replaced by G.
Protein change: p.Pro1870Ala; replaces proline 1870 with alanine.
Molecular consequence: missense variant.
Genome position (GRCh38, 1-based): chr17:82,083,073, G>C on the plus strand (C>G on the coding strand, the complement: FASN is on the minus strand). VCF-style: chr17-82083073-G-C. GRCh37 (hg19) VCF-style: chr17-80040949-G-C.
Other names: short protein forms P1870A.
Identifiers: ClinVar variation 4727990 (VCV004727990.1).

ClinVar aggregate classification (germline): Uncertain significance (1 of 4 stars; one submission).

Conditions:
Epileptic encephalopathy. Identifiers: MedGen C0543888, HP:0200134.

Submission:

Labcorp Genetics (formerly Invitae), Labcorp
Classification: Uncertain significance for Epileptic encephalopathy. Last evaluated: 2026-01-27. Review status: criteria provided, single submitter. Criteria: Invitae Variant Classification Sherloc (09022015). Collection method: clinical testing. Allele origin: germline.
Comment: This sequence change replaces proline, which is neutral and non-polar, with alanine, which is neutral and non-polar, at codon 1870 of the FASN protein (p.Pro1870Ala). This variant is not present in population databases (gnomAD no frequency). This variant has not been reported in the literature in individuals affected with FASN-related conditions. An algorithm developed to predict the effect of missense changes on protein structure and function (PolyPhen-2) suggests that this variant is likely to be tolerated. In summary, the available evidence is currently insufficient to determine the role of this variant in disease. Therefore, it has been classified as a Variant of Uncertain Significance.